The following is an entry in ClinVar:

NM_002529.4(NTRK1):c.1986GGT[3] (p.Val664dup)

Gene: NTRK1 (neurotrophic receptor tyrosine kinase 1; plus strand). Cytogenetic location: 1q23.1.
Variant type: Microsatellite.
Coding change: c.1986GGT[3] on transcript NM_002529.4 (MANE Select); three copies in a row of the 3-base unit GGT starting at c.1986; the reference has two copies in a row; one copy, 3 bases duplicated.
Protein change: p.Val664dup; duplicates valine 664.
Molecular consequence: inframe insertion.
Genome position (GRCh38, 1-based): chr1:156,879,305-156,879,307, GGT duplicated; duplicating any 3 consecutive bases within chr1:156,879,301-156,879,307 gives the same sequence; the position shown is the placement nearest the transcript's 3' end. VCF-style (leftmost placement, unchanged base first): chr1-156879300-C-CTGG. GRCh37 (hg19) VCF-style: chr1-156849092-C-CTGG.
Other names: c.1878GGT[3], p.Val628dup (NM_001007792.1); c.1968GGT[3], p.Val658dup (NM_001012331.2).
Identifiers: ClinVar variation 582158 (VCV000582158.6), dbSNP rs1433630727, ClinGen allele CA421271878.

ClinVar aggregate classification (germline): Uncertain significance (1 of 4 stars; one submission).

Conditions:
Hereditary insensitivity to pain with anhidrosis (CIPA). Also called: HSAN Type IV; hereditary sensory and autonomic neuropathy type 4; INSENSITIVITY TO PAIN, CONGENITAL, WITH ANHIDROSIS; NEUROPATHY, CONGENITAL SENSORY, WITH ANHIDROSIS; NTRK1 Congenital Insensitivity to Pain with Anhidrosis; FAMILIAL DYSAUTONOMIA, TYPE II. Identifiers: Orphanet 642, MedGen C0020074, MONDO:0009746, OMIM 256800.

Submission:

Labcorp Genetics (formerly Invitae), Labcorp
Classification: Uncertain significance for Hereditary insensitivity to pain with anhidrosis. Last evaluated: 2021-08-31. Review status: criteria provided, single submitter. Criteria: Invitae Variant Classification Sherloc (09022015). Collection method: clinical testing. Allele origin: germline.
Comment: This variant, c.1971_1973dup, results in the insertion of 1 amino acid(s) to the NTRK1 protein (p.Val658dup), but otherwise preserves the integrity of the reading frame. This variant is not present in population databases (ExAC no frequency). This variant has not been reported in the literature in individuals affected with NTRK1-related conditions. Experimental studies and prediction algorithms are not available or were not evaluated, and the functional significance of this variant is currently unknown. In summary, the available evidence is currently insufficient to determine the role of this variant in disease. Therefore, it has been classified as a Variant of Uncertain Significance.